The following is an entry in ClinVar:

NM_015374.3(SUN2):c.824G>A (p.Arg275His)

Genes: GTPBP1 (GTP binding protein 1; plus strand), SUN2 (Sad1 and UNC84 domain containing 2; minus strand). Cytogenetic location: 22q13.1.
Variant type: single nucleotide variant.
Coding change: c.824G>A on transcript NM_015374.3 (MANE Select); coding-DNA position 824, G replaced by A.
Protein change: p.Arg275His; replaces arginine 275 with histidine.
Molecular consequence: missense variant.
Genome position (GRCh38, 1-based): chr22:38,742,545, C>T on the plus strand (G>A on the coding strand, the complement: SUN2 is on the minus strand). VCF-style: chr22-38742545-C-T. GRCh37 (hg19) VCF-style: chr22-39138550-C-T.
Other names: c.887G>A, p.Arg296His (NM_001199579.2); c.824G>A, p.Arg275His (NM_001199580.2); short protein forms R296H, R275H.
Identifiers: ClinVar variation 859976 (VCV000859976.9), dbSNP rs780349096, ClinGen allele CA10235737.

ClinVar aggregate classification (germline): Uncertain significance (1 of 4 stars; one submission).

Conditions:
Emery-Dreifuss muscular dystrophy (EDMD). Also called: Scapuloperoneal syndrome, X-linked (formerly); Humeroperoneal neuromuscular disease, (formerly). Identifiers: Orphanet 261, MedGen C0410189, MONDO:0016830.

Allele frequency attached by ClinVar (database versions not stated): TOPMed 0.00003; ExAC 0.00001; gnomAD exomes 0.00001; gnomAD 0.00002.
gnomAD v4.1: 21 of 1,610,884 alleles (0.0013%); highest among the groups gnomAD compares: East Asian, 0.0045%; no homozygotes.

Submission:

Labcorp Genetics (formerly Invitae), Labcorp
Classification: Uncertain significance for Emery-Dreifuss muscular dystrophy. Last evaluated: 2024-10-15. Review status: criteria provided, single submitter. Criteria: Invitae Variant Classification Sherloc (09022015). Collection method: clinical testing. Allele origin: germline.
Comment: This sequence change replaces arginine, which is basic and polar, with histidine, which is basic and polar, at codon 275 of the SUN2 protein (p.Arg275His). This variant is present in population databases (rs780349096, gnomAD 0.003%). This variant has not been reported in the literature in individuals affected with SUN2-related conditions. ClinVar contains an entry for this variant (Variation ID: 859976). An algorithm developed to predict the effect of missense changes on protein structure and function outputs the following: PolyPhen-2: "Benign". The histidine amino acid residue is found in multiple mammalian species, which suggests that this missense change does not adversely affect protein function. In summary, the available evidence is currently insufficient to determine the role of this variant in disease. Therefore, it has been classified as a Variant of Uncertain Significance.